The following is an entry in ClinVar:

ClinVar aggregate classification (germline): Uncertain significance. Review status: criteria provided, multiple submitters, no conflicts (2 of 4 stars). 2 submissions from 2 submitters: Uncertain significance (2). Last evaluated 2026-04-22.

Conditions:
Hereditary cancer-predisposing syndrome. Also called: Hereditary neoplastic syndrome; Tumor predisposition; Hereditary Cancer Syndrome; Neoplastic Syndromes, Hereditary. Identifiers: Orphanet 140162, MedGen C0027672, MeSH D009386, MONDO:0015356.
Bloom syndrome (BLM). Also called: Bloom-Torre-Machacek syndrome. Identifiers: Orphanet 125, MedGen C0005859, MONDO:0008876, OMIM 210900.

gnomAD v4.1: 3 of 1,606,380 alleles (0.00019%); highest among the groups gnomAD compares: Non-Finnish European, 0.00026%; no homozygotes.

Submissions (2):

Ambry Genetics
Classification: Uncertain significance for Hereditary cancer-predisposing syndrome. Last evaluated: 2026-04-22. Review status: criteria provided, single submitter. Criteria: Ambry Variant Classification Scheme 2023. Collection method: clinical testing. Allele origin: germline.
Comment: The p.L27I variant (also known as c.79C>A), located in coding exon 1 of the BLM gene, results from a C to A substitution at nucleotide position 79. The leucine at codon 27 is replaced by isoleucine, an amino acid with highly similar properties. This amino acid position is conserved. In addition, this alteration is predicted to be tolerated by in silico analysis. Based on the available evidence, the clinical significance of this variant remains unclear.

Labcorp Genetics (formerly Invitae), Labcorp
Classification: Uncertain significance for Bloom syndrome. Last evaluated: 2024-03-28. Review status: criteria provided, single submitter. Criteria: Invitae Variant Classification Sherloc (09022015). Collection method: clinical testing. Allele origin: germline.
Comment: This sequence change replaces leucine, which is neutral and non-polar, with isoleucine, which is neutral and non-polar, at codon 27 of the BLM protein (p.Leu27Ile). This variant is present in population databases (no rsID available, gnomAD 0.001%). This variant has not been reported in the literature in individuals affected with BLM-related conditions. An algorithm developed to predict the effect of missense changes on protein structure and function (PolyPhen-2) suggests that this variant¬†is likely to be tolerated. Algorithms developed to predict the effect of sequence changes on RNA splicing suggest that this variant may disrupt the consensus splice site. In summary, the available evidence is currently insufficient to determine the role of this variant in disease. Therefore, it has been classified as a Variant of Uncertain Significance.

NM_000057.4(BLM):c.79C>A (p.Leu27Ile)

Gene: BLM (BLM RecQ like helicase; plus strand). Cytogenetic location: 15q26.1.
Variant type: single nucleotide variant.
Coding change: c.79C>A on transcript NM_000057.4 (MANE Select); coding-DNA position 79, C replaced by A.
Protein change: p.Leu27Ile; replaces leucine 27 with isoleucine.
Molecular consequence: missense variant. On other transcripts: 5 prime UTR variant (1).
Genome position (GRCh38, 1-based): chr15:90,747,471, C>A. VCF-style: chr15-90747471-C-A. GRCh37 (hg19) VCF-style: chr15-91290701-C-A.
Other names: c.79C>A, p.Leu27Ile (NM_001287246.2, NM_001287247.2); c.-1213C>A (NM_001287248.2); short protein forms L27I.
Identifiers: ClinVar variation 3647627 (VCV003647627.2).